The following is an entry in ClinVar:

NM_001611.5(ACP5):c.619C>A (p.Pro207Thr)

Gene: ACP5 (acid phosphatase 5, tartrate resistant; minus strand). Cytogenetic location: 19p13.2.
Variant type: single nucleotide variant.
Coding change: c.619C>A on transcript NM_001611.5 (MANE Select); coding-DNA position 619, C replaced by A.
Protein change: p.Pro207Thr; replaces proline 207 with threonine.
Molecular consequence: missense variant.
Genome position (GRCh38, 1-based): chr19:11,576,359, G>T on the plus strand (C>A on the coding strand, the complement: ACP5 is on the minus strand). VCF-style: chr19-11576359-G-T. GRCh37 (hg19) VCF-style: chr19-11687174-G-T.
Other names: c.619C>A, p.Pro207Thr (NM_001111034.3, NM_001111035.3, NM_001111036.3 and 1 more transcripts); short protein forms P207T.
Identifiers: ClinVar variation 1045633 (VCV001045633.7), dbSNP rs1973150471, ClinGen allele CA404146465.

ClinVar aggregate classification (germline): Uncertain significance (1 of 4 stars; one submission).

Conditions:
Spondyloenchondrodysplasia with immune dysregulation (SPENCDI). Also called: ROIFMAN IMMUNOSKELETAL SYNDROME; COMBINED IMMUNODEFICIENCY WITH AUTOIMMUNITY AND SPONDYLOMETAPHYSEAL DYSPLASIA; SPONDYLOENCHONDRODYSPLASIA WITH OR WITHOUT IMMUNE DYSREGULATION. Identifiers: Orphanet 1855, MedGen C1842763, MONDO:0011939, OMIM 607944.

Submission:

Labcorp Genetics (formerly Invitae), Labcorp
Classification: Uncertain significance for Spondyloenchondrodysplasia with immune dysregulation. Last evaluated: 2020-06-26. Review status: criteria provided, single submitter. Criteria: Invitae Variant Classification Sherloc (09022015). Collection method: clinical testing. Allele origin: germline.
Comment: This sequence change replaces proline with threonine at codon 207 of the ACP5 protein (p.Pro207Thr). The proline residue is highly conserved and there is a small physicochemical difference between proline and threonine. In summary, the available evidence is currently insufficient to determine the role of this variant in disease. Therefore, it has been classified as a Variant of Uncertain Significance. Algorithms developed to predict the effect of missense changes on protein structure and function (SIFT, PolyPhen-2, Align-GVGD) all suggest that this variant is likely to be disruptive, but these predictions have not been confirmed by published functional studies and their clinical significance is uncertain. This variant has not been reported in the literature in individuals with ACP5-related conditions. This variant is not present in population databases (ExAC no frequency).